The following is an entry in ClinVar:

NM_007315.4(STAT1):c.368A>G (p.Asn123Ser)

Gene: STAT1 (signal transducer and activator of transcription 1; minus strand). Cytogenetic location: 2q32.2.
Variant type: single nucleotide variant.
Coding change: c.368A>G on transcript NM_007315.4 (MANE Select); coding-DNA position 368, A replaced by G.
Protein change: p.Asn123Ser; replaces asparagine 123 with serine.
Molecular consequence: missense variant.
Genome position (GRCh38, 1-based): chr2:191,007,567, T>C on the plus strand (A>G on the coding strand, the complement: STAT1 is on the minus strand). VCF-style: chr2-191007567-T-C. GRCh37 (hg19) VCF-style: chr2-191872293-T-C.
Other names: c.368A>G, p.Asn123Ser (NM_001384880.1, NM_001384882.1, NM_001384883.1 and 7 more transcripts); c.374A>G, p.Asn125Ser (NM_001384881.1, NM_001384884.1); c.404A>G, p.Asn135Ser (NM_001384891.1); short protein forms N135S, N123S, N125S.
Identifiers: ClinVar variation 1437131 (VCV001437131.6), dbSNP rs778751233, ClinGen allele CA2030271.

ClinVar aggregate classification (germline): Uncertain significance (1 of 4 stars; one submission).

Conditions:
Immunodeficiency 31B. Also called: STAT1 DEFICIENCY, AUTOSOMAL RECESSIVE; IMMUNODEFICIENCY 31B, MYCOBACTERIAL AND VIRAL INFECTIONS, AUTOSOMAL RECESSIVE. Identifiers: Orphanet 391311, MedGen C3151088, MONDO:0013427, OMIM 613796.
Mendelian susceptibility to mycobacterial diseases due to partial STAT1 deficiency. Also called: IMMUNODEFICIENCY 31A, MYCOBACTERIOSIS, AUTOSOMAL DOMINANT; STAT1 DEFICIENCY, AUTOSOMAL DOMINANT; Immunodeficiency 31a. Identifiers: Orphanet 319595, MedGen C4013950, MONDO:0013956, OMIM 614892.
Autoimmune enteropathy and endocrinopathy - susceptibility to chronic infections syndrome. Also called: Immunodeficiency 31C; Immunodeficiency 31C, autosomal dominant. Identifiers: Orphanet 391487, MedGen C3279990, MONDO:0013599, OMIM 614162.

Allele frequency attached by ClinVar (database versions not stated): gnomAD exomes 0.00001; ExAC 0.00002.
gnomAD v4.1: 8 of 1,611,396 alleles (0.0005%); highest among the groups gnomAD compares: South Asian, 0.0077%; no homozygotes.

Submission:

Labcorp Genetics (formerly Invitae), Labcorp
Classification: Uncertain significance for Mendelian susceptibility to mycobacterial diseases due to partial STAT1 deficiency; Immunodeficiency 31B; Autoimmune enteropathy and endocrinopathy - susceptibility to chronic infections syndrome. Last evaluated: 2023-12-14. Review status: criteria provided, single submitter. Criteria: Invitae Variant Classification Sherloc (09022015). Collection method: clinical testing. Allele origin: germline.
Comment: This sequence change replaces asparagine, which is neutral and polar, with serine, which is neutral and polar, at codon 123 of the STAT1 protein (p.Asn123Ser). This variant is present in population databases (rs778751233, gnomAD 0.006%). This variant has not been reported in the literature in individuals affected with STAT1-related conditions. ClinVar contains an entry for this variant (Variation ID: 1437131). Algorithms developed to predict the effect of missense changes on protein structure and function output the following: SIFT: "Not Available"; PolyPhen-2: "Benign"; Align-GVGD: "Not Available". The serine amino acid residue is found in multiple mammalian species, which suggests that this missense change does not adversely affect protein function. In summary, the available evidence is currently insufficient to determine the role of this variant in disease. Therefore, it has been classified as a Variant of Uncertain Significance.